The following is an entry in ClinVar:

NM_014324.6(AMACR):c.580T>C (p.Phe194Leu)

Genes: C1QTNF3-AMACR (C1QTNF3-AMACR readthrough (NMD candidate); minus strand), AMACR (alpha-methylacyl-CoA racemase; minus strand). Cytogenetic location: 5p13.2.
Variant type: single nucleotide variant.
Coding change: c.580T>C on transcript NM_014324.6 (MANE Select); coding-DNA position 580, T replaced by C.
Protein change: p.Phe194Leu; replaces phenylalanine 194 with leucine.
Molecular consequence: missense variant. On other transcripts: non-coding transcript variant (1).
Genome position (GRCh38, 1-based): chr5:33,998,800, A>G on the plus strand (T>C on the coding strand, the complement: AMACR is on the minus strand). VCF-style: chr5-33998800-A-G. GRCh37 (hg19) VCF-style: chr5-33998905-A-G.
Other names: c.580T>C, p.Phe194Leu (NM_001167595.2); c.419T>C, p.Phe140Ser (NM_203382.3); short protein forms F140S, F194L.
Identifiers: ClinVar variation 1395821 (VCV001395821.6), dbSNP rs2112054973, ClinGen allele CA359381677.

ClinVar aggregate classification (germline): Uncertain significance (1 of 4 stars; one submission).

Conditions:
Alpha-methylacyl-CoA racemase deficiency (AMACRD). Also called: AMACR deficiency. Identifiers: Orphanet 79095, MedGen C3280428, MONDO:0013681, OMIM 614307. Disease mechanism: loss of function.

Submission:

Labcorp Genetics (formerly Invitae), Labcorp
Classification: Uncertain significance for Alpha-methylacyl-CoA racemase deficiency. Last evaluated: 2022-03-20. Review status: criteria provided, single submitter. Criteria: Invitae Variant Classification Sherloc (09022015). Collection method: clinical testing. Allele origin: germline.
Comment: In summary, the available evidence is currently insufficient to determine the role of this variant in disease. Therefore, it has been classified as a Variant of Uncertain Significance. Algorithms developed to predict the effect of missense changes on protein structure and function are either unavailable or do not agree on the potential impact of this missense change (SIFT: "Deleterious"; PolyPhen-2: "Probably Damaging"; Align-GVGD: "Class C0"). This variant has not been reported in the literature in individuals affected with AMACR-related conditions. This variant is not present in population databases (gnomAD no frequency). This sequence change replaces phenylalanine, which is neutral and non-polar, with leucine, which is neutral and non-polar, at codon 194 of the AMACR protein (p.Phe194Leu).